The following is an entry in ClinVar:

NM_000059.4(BRCA2):c.2671G>A (p.Val891Ile)

Gene: BRCA2 (BRCA2 DNA repair associated; plus strand). Cytogenetic location: 13q13.1.
Variant type: single nucleotide variant.
Coding change: c.2671G>A on transcript NM_000059.4 (MANE Select); coding-DNA position 2671, G replaced by A.
Protein change: p.Val891Ile; replaces valine 891 with isoleucine.
Molecular consequence: missense variant.
Genome position (GRCh38, 1-based): chr13:32,337,026, G>A. VCF-style: chr13-32337026-G-A. GRCh37 (hg19) VCF-style: chr13-32911163-G-A.
Other names: short protein forms V891I.
Identifiers: ClinVar variation 920852 (VCV000920852.8), dbSNP rs756951335, ClinGen allele CA387773384.

ClinVar aggregate classification (germline): Conflicting classifications of pathogenicity. Review status: criteria provided, conflicting classifications (1 of 4 stars). 5 submissions from 5 submitters: Uncertain significance (4); Likely benign (1). Last evaluated 2026-03-12.

Conditions:
Hereditary cancer-predisposing syndrome. Also called: Tumor predisposition; Hereditary neoplastic syndrome; Hereditary Cancer Syndrome; Neoplastic Syndromes, Hereditary. Identifiers: Orphanet 140162, MedGen C0027672, MeSH D009386, MONDO:0015356.
Hereditary breast ovarian cancer syndrome. Also called: Hereditary breast and ovarian cancer; Breast and ovarian cancer; BRCA1- and BRCA2-Associated Hereditary Breast and Ovarian Cancer; Hereditary breast and ovarian cancer syndrome (HBOC); Hereditary breast and/or ovarian cancer syndrome; Hereditary breast and ovarian cancer syndrome. Identifiers: Orphanet 145, MedGen C0677776, MeSH D061325, MONDO:0003582. Disease mechanism: loss of function.

gnomAD v4.1: 1 of 1,592,436 alleles (0.000063%); highest among the groups gnomAD compares: Admixed American, 0.0018%; no homozygotes.

Submissions (5):

Ambry Genetics
Classification: Uncertain significance for Hereditary cancer-predisposing syndrome. Last evaluated: 2026-03-12. Review status: criteria provided, single submitter. Criteria: Ambry Variant Classification Scheme 2023. Collection method: clinical testing. Allele origin: germline.
Comment: The p.V891I variant (also known as c.2671G>A), located in coding exon 10 of the BRCA2 gene, results from a G to A substitution at nucleotide position 2671. The valine at codon 891 is replaced by isoleucine, an amino acid with highly similar properties. This amino acid position is not well conserved in available vertebrate species. In addition, this alteration is predicted to be tolerated by in silico analysis. Based on the available evidence, the clinical significance of this variant remains unclear.

Labcorp Genetics (formerly Invitae), Labcorp
Classification: Uncertain significance for Hereditary breast ovarian cancer syndrome. Last evaluated: 2024-05-08. Review status: criteria provided, single submitter. Criteria: Invitae Variant Classification Sherloc (09022015). Collection method: clinical testing. Allele origin: germline.
Comment: This sequence change replaces valine, which is neutral and non-polar, with isoleucine, which is neutral and non-polar, at codon 891 of the BRCA2 protein (p.Val891Ile). This variant is not present in population databases (gnomAD no frequency). This variant has not been reported in the literature in individuals affected with BRCA2-related conditions. ClinVar contains an entry for this variant (Variation ID: 920852). Advanced modeling of protein sequence and biophysical properties (such as structural, functional, and spatial information, amino acid conservation, physicochemical variation, residue mobility, and thermodynamic stability) performed at Invitae indicates that this missense variant is not expected to disrupt BRCA2 protein function with a negative predictive value of 95%. In summary, the available evidence is currently insufficient to determine the role of this variant in disease. Therefore, it has been classified as a Variant of Uncertain Significance.

University of Washington Department of Laboratory Medicine, University of Washington
Classification: Likely benign for Hereditary cancer-predisposing syndrome. Last evaluated: 2023-03-23. Review status: criteria provided, single submitter. Criteria: Dines et al. (Genet Med. 2020). Collection method: curation. Allele origin: germline.
Comment: Missense variant in a coldspot region where missense variants are very unlikely to be pathogenic (PMID:31911673).

BRCA2 exon 11 coldspot. Reclassification based on statistical prior probability.

GeneDx
Classification: Uncertain significance. Last evaluated: 2022-06-03. Review status: criteria provided, single submitter. Criteria: GeneDx Variant Classification Process June 2021. Collection method: clinical testing. Allele origin: germline. Affected: yes.
Comment: Not observed at significant frequency in large population cohorts (gnomAD); In silico analysis supports that this missense variant does not alter protein structure/function; Has not been previously published as pathogenic or benign to our knowledge; Also known as 2899G>A

Color Diagnostics, LLC DBA Color Health
Classification: Uncertain significance for Hereditary cancer-predisposing syndrome. Last evaluated: 2019-02-06. Review status: criteria provided, single submitter. Criteria: ACMG Guidelines, 2015. Collection method: clinical testing. Allele origin: germline.